The following is an entry in ClinVar:

ClinVar aggregate classification (germline): Likely pathogenic (1 of 4 stars; one submission).

Conditions:
Progressive sclerosing poliodystrophy (MTDPS4A). Also called: ALPERS PROGRESSIVE INFANTILE POLIODYSTROPHY; NEURONAL DEGENERATION OF CHILDHOOD WITH LIVER DISEASE, PROGRESSIVE; Mitochondrial DNA depletion syndrome 4A (Alpers type); Mitochondrial DNA Depletion Syndrome 4A; Alpers-Huttenlocher Syndrome (AHS); Alpers Syndrome. Identifiers: Orphanet 726, MedGen C0205710, MONDO:0008758, OMIM 203700.

Submission:

Labcorp Genetics (formerly Invitae), Labcorp
Classification: Likely pathogenic for Progressive sclerosing poliodystrophy. Last evaluated: 2023-11-19. Review status: criteria provided, single submitter. Criteria: Invitae Variant Classification Sherloc (09022015). Collection method: clinical testing. Allele origin: germline.
Comment: This sequence change replaces serine, which is neutral and polar, with asparagine, which is neutral and polar, at codon 933 of the POLG protein (p.Ser933Asn). This variant is not present in population databases (gnomAD no frequency). This variant has not been reported in the literature in individuals affected with POLG-related conditions. Advanced modeling of protein sequence and biophysical properties (such as structural, functional, and spatial information, amino acid conservation, physicochemical variation, residue mobility, and thermodynamic stability) performed at Invitae indicates that this missense variant is expected to disrupt POLG protein function with a positive predictive value of 95%. This variant disrupts the p.Ser933 amino acid residue in POLG. Other variant(s) that disrupt this residue have been determined to be pathogenic (PMID: 21880868). This suggests that this residue is clinically significant, and that variants that disrupt this residue are likely to be disease-causing. In summary, the currently available evidence indicates that the variant is pathogenic, but additional data are needed to prove that conclusively. Therefore, this variant has been classified as Likely Pathogenic.

Literature cited by the submitters: PubMed 21880868.

NM_002693.3(POLG):c.2798G>A (p.Ser933Asn)

Gene: POLG (DNA polymerase gamma, catalytic subunit; minus strand). Cytogenetic location: 15q26.1.
Variant type: single nucleotide variant.
Coding change: c.2798G>A on transcript NM_002693.3 (MANE Select); coding-DNA position 2798, G replaced by A.
Protein change: p.Ser933Asn; replaces serine 933 with asparagine.
Molecular consequence: missense variant.
Genome position (GRCh38, 1-based): chr15:89,320,949, C>T on the plus strand (G>A on the coding strand, the complement: POLG is on the minus strand). VCF-style: chr15-89320949-C-T. GRCh37 (hg19) VCF-style: chr15-89864180-C-T.
Other names: c.2798G>A, p.Ser933Asn (NM_001126131.2); short protein forms S933N.
Identifiers: ClinVar variation 2693242 (VCV002693242.3), dbSNP rs1596352071, ClinGen allele CA393753074.
Genomic context (GRCh38, chr15:89,320,949, plus strand): 5'-CGGCCGTAGTTGAAGATTTTGGCATGCTCACGGCTGATGCCCACAGTAGTGGCTGTCTTA[C>T]TGTGTAGATCAGTGCCCCTGCTCTTCCTGCCCTGCAGTGTCATCCACCCAAAGGCTGTGC-3'
Protein context (NP_002684.1, residues 923-943): GRKSRGTDLH[Ser933Asn]KTATTVGISR